The following is an entry in ClinVar:

NM_001903.5(CTNNA1):c.1502C>G (p.Ala501Gly)

Gene: CTNNA1 (catenin alpha 1; plus strand). Cytogenetic location: 5q31.2.
Variant type: single nucleotide variant.
Coding change: c.1502C>G on transcript NM_001903.5 (MANE Select); coding-DNA position 1502, C replaced by G.
Protein change: p.Ala501Gly; replaces alanine 501 with glycine.
Molecular consequence: missense variant.
Genome position (GRCh38, 1-based): chr5:138,917,854, C>G. VCF-style: chr5-138917854-C-G. GRCh37 (hg19) VCF-style: chr5-138253543-C-G.
Other names: c.392C>G, p.Ala131Gly (NM_001324004.1, NM_001324005.1, NM_001324001.1 and 17 more transcripts); c.53C>G, p.Ala18Gly (NM_001324006.1, NM_001324007.1, NM_001324008.1 and 2 more transcripts); c.299C>G, p.Ala100Gly (NM_001324011.1); c.149C>G, p.Ala50Gly (NM_001324012.1, NM_001324013.1); c.1502C>G, p.Ala501Gly (NM_001323984.2, NM_001323985.2, NM_001290307.3 and 2 more transcripts); c.1409C>G, p.Ala470Gly (NM_001323986.2); c.1193C>G, p.Ala398Gly (NM_001290309.3); c.1133C>G, p.Ala378Gly (NM_001290310.3); short protein forms A398G, A50G, A100G, A131G, A18G, A378G, A501G, A470G.
Identifiers: ClinVar variation 3648001 (VCV003648001.2).
Genomic context (GRCh38, chr5:138,917,854, plus strand): 5'-AAGAGAACATGGATCTTTTTAAAGAACAATGGGAAAAACAAGTCCGTGTTCTCACAGATG[C>G]TGTCGATGACATTACTTCCATTGATGACTTCTTGGCTGTCTCAGGTAATGAGCTGGTTCC-3'
Protein context (NP_001894.2, residues 491-511): WEKQVRVLTD[Ala501Gly]VDDITSIDDF

ClinVar aggregate classification (germline): Uncertain significance (1 of 4 stars; one submission).

gnomAD v4.1: 1 of 1,614,214 alleles (0.000062%); highest among the groups gnomAD compares: Non-Finnish European, 0.000085%; no homozygotes.

Submission:

Labcorp Genetics (formerly Invitae), Labcorp
Classification: Uncertain significance. Last evaluated: 2024-03-28. Review status: criteria provided, single submitter. Criteria: Invitae Variant Classification Sherloc (09022015). Collection method: clinical testing. Allele origin: germline.
Comment: This sequence change replaces alanine, which is neutral and non-polar, with glycine, which is neutral and non-polar, at codon 501 of the CTNNA1 protein (p.Ala501Gly). This variant is not present in population databases (gnomAD no frequency). This variant has not been reported in the literature in individuals affected with CTNNA1-related conditions. Advanced modeling of protein sequence and biophysical properties (such as structural, functional, and spatial information, amino acid conservation, physicochemical variation, residue mobility, and thermodynamic stability) has been performed at Invitae for this missense variant, however the output from this modeling did not meet the statistical confidence thresholds required to predict the impact of this variant on CTNNA1 protein function. In summary, the available evidence is currently insufficient to determine the role of this variant in disease. Therefore, it has been classified as a Variant of Uncertain Significance.